The following is an entry in ClinVar:

ClinVar aggregate classification (germline): Uncertain significance (1 of 4 stars; one submission).

Conditions:
Cortical dysplasia, complex, with other brain malformations 10. Identifiers: MedGen C5231458, MONDO:0032866, OMIM 618677.

Submission:

Neuberg Centre For Genomic Medicine, NCGM
Classification: Uncertain significance for Cortical dysplasia, complex, with other brain malformations 10. Last evaluated: 2023-06-22. Review status: criteria provided, single submitter. Criteria: ACMG Guidelines, 2015. Collection method: clinical testing. Allele origin: germline. Inheritance: Autosomal recessive inheritance. Affected: yes.
Comment: The observed missense variant c.5936T>C(p.Leu1979Pro) in the APC2 gene has not been reported previously as a pathogenic variant nor as a benign variant, to our knowledge. This variant is absent in the gnomAD Exomes. The amino acid Leu at position 1979 is changed to a Pro changing protein sequence and it might alter its composition and physico-chemical properties. Multiple lines of computational evidence (Polyphen - Benign, SIFT - Tolerated and MutationTaster - Polymorphism) predict no damaging effect on protein structure and function for this variant. The residue is conserved by GERP++ and PhyloP across 100 vertebrates. For these reasons, this variant has been classified as Uncertain Significance.

NM_005883.3(APC2):c.5936T>C (p.Leu1979Pro)

Gene: APC2 (APC regulator of WNT signaling pathway 2; plus strand). Cytogenetic location: 19p13.3.
Variant type: single nucleotide variant.
Coding change: c.5936T>C on transcript NM_005883.3 (MANE Select); coding-DNA position 5936, T replaced by C.
Protein change: p.Leu1979Pro; replaces leucine 1979 with proline.
Molecular consequence: missense variant.
Genome position (GRCh38, 1-based): chr19:1,469,237, T>C. VCF-style: chr19-1469237-T-C. GRCh37 (hg19) VCF-style: chr19-1469236-T-C.
Other names: c.5933T>C, p.Leu1978Pro (NM_001351273.1); short protein forms L1978P, L1979P.
Identifiers: ClinVar variation 3377714 (VCV003377714.1).
Genomic context (GRCh38, chr19:1,469,237, plus strand): 5'-CCGAGGCGGGCCCGGGGGCGCGCGGGGGCCGCCTGGGCCTGGTGCGTGTGGCCTCAGCCC[T>C]CTCCAGCGGCAGCGAGTCCTCCGACCGCTCGGGCTTCCGGCGACAGCTAACCTTCATCAA-3'
Protein context (NP_005874.1, residues 1969-1989): RLGLVRVASA[Leu1979Pro]SSGSESSDRS